The following is an entry in ClinVar:

NM_004523.4(KIF11):c.574-3C>A

Gene: KIF11 (kinesin family member 11; plus strand). Cytogenetic location: 10q23.33.
Variant type: single nucleotide variant.
Coding change: c.574-3C>A on transcript NM_004523.4 (MANE Select); 3 bases into the intron before coding-DNA position 574, C replaced by A.
Molecular consequence: intron variant.
Genome position (GRCh38, 1-based): chr10:92,609,382, C>A. VCF-style: chr10-92609382-C-A. GRCh37 (hg19) VCF-style: chr10-94369139-C-A.
Identifiers: ClinVar variation 1024578 (VCV001024578.6), dbSNP rs1844471151, ClinGen allele CA1928258881.

ClinVar aggregate classification (germline): Uncertain significance (1 of 4 stars; one submission).

Submission:

Labcorp Genetics (formerly Invitae), Labcorp
Classification: Uncertain significance. Last evaluated: 2026-01-05. Review status: criteria provided, single submitter. Criteria: Invitae Variant Classification Sherloc (09022015). Collection method: clinical testing. Allele origin: germline.
Comment: This sequence change falls in intron 5 of the KIF11 gene. It does not directly change the encoded amino acid sequence of the KIF11 protein. It affects a nucleotide within the consensus splice site. This variant is not present in population databases (gnomAD no frequency). This variant has not been reported in the literature in individuals affected with KIF11-related conditions. ClinVar contains an entry for this variant (Variation ID: 1024578). Variants that disrupt the consensus splice site are a relatively common cause of aberrant splicing (PMID: 17576681, 9536098). Algorithms developed to predict the effect of sequence changes on RNA splicing suggest that this variant may disrupt the consensus splice site. In summary, the available evidence is currently insufficient to determine the role of this variant in disease. Therefore, it has been classified as a Variant of Uncertain Significance.

Literature cited by the submitters: PubMed 17576681; PubMed 9536098.